The following is an entry in ClinVar:

ClinVar aggregate classification (germline): Uncertain significance (1 of 4 stars; one submission).

gnomAD v4.1: 1 of 1,613,510 alleles (0.000062%); highest among the groups gnomAD compares: East Asian, 0.0022%; no homozygotes.

Submission:

Ambry Genetics
Classification: Uncertain significance. Last evaluated: 2025-04-17. Review status: criteria provided, single submitter. Criteria: Ambry Variant Classification Scheme 2023. Collection method: clinical testing. Allele origin: germline.
Comment: The p.A914P variant (also known as c.2740G>C), located in coding exon 11 of the WNK2 gene, results from a G to C substitution at nucleotide position 2740. The alanine at codon 914 is replaced by proline, an amino acid with highly similar properties. This amino acid position is conserved. In addition, this alteration is predicted to be tolerated by in silico analysis. Based on the available evidence, the clinical significance of this variant remains unclear.

NM_006648.4(WNK2):c.2740G>C (p.Ala914Pro)

Gene: WNK2 (WNK lysine deficient protein kinase 2; plus strand). Cytogenetic location: 9q22.31.
Variant type: single nucleotide variant.
Coding change: c.2740G>C on transcript NM_006648.4 (MANE Select); coding-DNA position 2740, G replaced by C.
Protein change: p.Ala914Pro; replaces alanine 914 with proline.
Molecular consequence: missense variant.
Genome position (GRCh38, 1-based): chr9:93,259,288, G>C. VCF-style: chr9-93259288-G-C. GRCh37 (hg19) VCF-style: chr9-96021570-G-C.
Other names: c.2740G>C, p.Ala914Pro (NM_001282394.3); short protein forms A914P.
Identifiers: ClinVar variation 3981894 (VCV003981894.1).